The following is an entry in ClinVar:

ClinVar aggregate classification (germline): Pathogenic. Review status: criteria provided, multiple submitters, no conflicts (2 of 4 stars). 2 submissions from 2 submitters: Pathogenic (2). Last evaluated 2025-12-29.

Conditions:
Familial hypokalemia-hypomagnesemia (GTLMNS). Also called: gitelman syndrome; HYPOMAGNESEMIA-HYPOKALEMIA, PRIMARY RENOTUBULAR, WITH HYPOCALCIURIA; POTASSIUM AND MAGNESIUM DEPLETION. Identifiers: Orphanet 358, MedGen C0268450, MONDO:0009904, OMIM 263800.

Allele frequency attached by ClinVar (database versions not stated): gnomAD exomes below 0.00001.
gnomAD v4.1: 3 of 1,614,220 alleles (0.00019%); highest among the groups gnomAD compares: Non-Finnish European, 0.00025%; no homozygotes.

Submissions (2):

Labcorp Genetics (formerly Invitae), Labcorp
Classification: Pathogenic. Last evaluated: 2025-12-29. Review status: criteria provided, single submitter. Criteria: Invitae Variant Classification Sherloc (09022015). Collection method: clinical testing. Allele origin: germline.
Comment: This sequence change creates a premature translational stop signal (p.Gln563*) in the SLC12A3 gene. It is expected to result in an absent or disrupted protein product. Loss-of-function variants in SLC12A3 are known to be pathogenic (PMID: 20848653, 22009145, 25841442). This variant is not present in population databases (gnomAD no frequency). This premature translational stop signal has been observed in individual(s) with Gitelman syndome (PMID: 31285285). ClinVar contains an entry for this variant (Variation ID: 1684162). For these reasons, this variant has been classified as Pathogenic.

European Hospital Georges Pompidou Genetics Department, Assistance Publique - Hôpitaux de Paris AP-HP
Classification: Pathogenic for Familial hypokalemia-hypomagnesemia. Last evaluated: 2022-04-27. Review status: criteria provided, single submitter. Criteria: ACMG Guidelines, 2015. Collection method: clinical testing. Allele origin: germline. Affected: yes.
Comment: ACMG criteria used:PVS1, PM2, PM3, PM4, PP1

Literature cited by the submitters: PubMed 20848653 (cited by Labcorp Genetics (formerly Invitae), Labcorp); PubMed 22009145 (cited by Labcorp Genetics (formerly Invitae), Labcorp); PubMed 25841442 (cited by Labcorp Genetics (formerly Invitae), Labcorp); PubMed 31285285 (cited by Labcorp Genetics (formerly Invitae), Labcorp).

NM_001126108.2(SLC12A3):c.1687C>T (p.Gln563Ter)

Gene: SLC12A3 (solute carrier family 12 member 3; plus strand). Cytogenetic location: 16q13.
Variant type: single nucleotide variant.
Coding change: c.1687C>T on transcript NM_001126108.2 (MANE Select); coding-DNA position 1687, C replaced by T.
Protein change: p.Gln563Ter; replaces glutamine 563 with a stop codon.
Molecular consequence: nonsense.
Genome position (GRCh38, 1-based): chr16:56,884,066, C>T. VCF-style: chr16-56884066-C-T. GRCh37 (hg19) VCF-style: chr16-56917978-C-T.
Other names: c.1687C>T, p.Gln563Ter (NM_000339.3); c.1684C>T, p.Gln562Ter (NM_001126107.2); short protein forms Q562*, Q563*.
Identifiers: ClinVar variation 1684162 (VCV001684162.2), dbSNP rs2144723125, ClinGen allele CA395990319.